The following is an entry in ClinVar:

NM_007294.4(BRCA1):c.5536C>A (p.Gln1846Lys)

Gene: BRCA1 (BRCA1 DNA repair associated; minus strand). Cytogenetic location: 17q21.31.
Variant type: single nucleotide variant.
Coding change: c.5536C>A on transcript NM_007294.4 (MANE Select); coding-DNA position 5536, C replaced by A.
Protein change: p.Gln1846Lys; replaces glutamine 1846 with lysine.
Molecular consequence: missense variant. On other transcripts: 3 prime UTR variant (1), non-coding transcript variant (1).
Genome position (GRCh38, 1-based): chr17:43,045,734, G>T on the plus strand (C>A on the coding strand, the complement: BRCA1 is on the minus strand). VCF-style: chr17-43045734-G-T. GRCh37 (hg19) VCF-style: chr17-41197751-G-T.
Other names: c.5323C>A, p.Gln1775Lys (NM_001407571.1, NM_001407894.1, NM_001407895.1 and 12 more transcripts); c.5602C>A, p.Gln1868Lys (NM_001407581.1, NM_001407582.1); c.5599C>A, p.Gln1867Lys (NM_001407583.1, NM_001407585.1, NM_001407587.1 and 1 more transcripts); c.5596C>A, p.Gln1866Lys (NM_001407590.1, NM_001407591.1); c.5536C>A, p.Gln1846Lys (NM_001407593.1, NM_001407594.1, NM_001407596.1 and 5 more transcripts); c.5533C>A, p.Gln1845Lys (NM_001407610.1, NM_001407611.1, NM_001407612.1 and 14 more transcripts); c.5530C>A, p.Gln1844Lys (NM_001407627.1, NM_001407628.1, NM_001407629.1 and 13 more transcripts); c.5521C>A, p.Gln1841Lys (NM_001407647.1); and 74 more; short protein forms Q742K, Q1846K, Q1799K, Q1867K, Q1550K, Q1692K, Q1719K, Q1735K.
Identifiers: ClinVar variation 825811 (VCV000825811.9), dbSNP rs80356873, ClinGen allele CA10590252.
Genomic context (GRCh38, chr17:43,045,734, plus strand): 5'-GCAGTCAGTAGTGGCTGTGGGGGATCTGGGGTATCAGGTAGGTGTCCAGCTCCTGGCACT[G>T]GTAGAGTGCTACACTGTCCAACACCCACTCTCGGGTCACCACAGGTGCCTCACACATCTG-3'
Protein context (NP_009225.1, residues 1836-1856): EWVLDSVALY[Gln1846Lys]CQELDTYLIP

ClinVar aggregate classification (germline): Conflicting classifications of pathogenicity. Review status: criteria provided, conflicting classifications (1 of 4 stars). 2 submissions from 2 submitters: Uncertain significance (1); Benign (1). Last evaluated 2024-04-12.

Conditions:
Hereditary cancer-predisposing syndrome. Also called: Hereditary Cancer Syndrome; Hereditary neoplastic syndrome; Neoplastic Syndromes, Hereditary; Tumor predisposition. Identifiers: Orphanet 140162, MedGen C0027672, MeSH D009386, MONDO:0015356.
Breast-ovarian cancer, familial, susceptibility to, 1 (BROVCA1). Also called: OVARIAN CANCER, SUSCEPTIBILITY TO; BRCA1 Hereditary Breast and Ovarian Cancer. Identifiers: Orphanet 145, MedGen C2676676, MONDO:0011450, OMIM 604370. Disease mechanism: loss of function.

Allele frequency attached by ClinVar (database versions not stated): gnomAD exomes below 0.00001; gnomAD 0.00001.
gnomAD v4.1: 2 of 1,613,828 alleles (0.00012%); highest among the groups gnomAD compares: Non-Finnish European, 0.00017%; no homozygotes.

Submissions (3):

Lupski Lab, Baylor-Hopkins CMG, Baylor College of Medicine
Classification: Benign for Breast-ovarian cancer, familial, susceptibility to, 1. Last evaluated: 2024-04-12. Review status: criteria provided, single submitter. Criteria: Dawood et al. (medRxiv. 2024). Collection method: curation. Allele origin: germline.
Comment: Each variant was annotated with functional scores from MAVE data which was translated into functional evidence codes. All other evidence codes and combining criteria were adhered to as closely as possible based on the ClinGen VCEP (Variant Curation Expert Panel) gene-specific recommendations. See Supplemental Figure 34 of final paper (Supp Fig. 28 in preprint: doi:10.1101/2024.04.11.24305690) for a table to see which lines of evidence we did not have data for. The ClinGen VCEPs are highly regarded as the gold-standard for gene-specific variant curation and are developed after extensive evaluation of the evidence by clinical and scientific experts for the particular gene to classify genomic variants on a spectrum from pathogenic to benign using the 2015 ACMG/AMP Variant Interpretation Guidelines as a backbone (PMID: 25741868). Reclassification of these VUS variants from gnomAD or All of Us focused only on variants originally prescribed as VUS in ClinVar. To ensure reproducibility, transparency, and increased throughput, all the procedures for annotating variants and assigning evidence codes were codified using Python. All code has been made freely available and is linked in the Code Availability section and all reclassified variants with evidence codes used can be found in Tables S18-19 (preprint: doi:10.1101/2024.04.11.24305690). For the MAVE data, the clinical curation and clinical strength assignment as per the ClinGen recommendations in Brnich et al. (2020) (PMID: 31892348) for or against pathogenicity or benignity of each of these MAVE datasets utilized in this study were previously published in Fayer et al. (2021) (PMID: 34793697).In brief, for BRCA1 variants, if a variant was categorized as FUNC (functional), it was assigned BS3 evidence and no PS3 evidence, whereas if it was categorized as LOF (loss of function), the variant was assigned PS3 evidence and no BS3 evidence. Variants categorized as INT (intermediate) were left unannotated. For the BRCA1 combining criteria, greater than or equal to 1 criteria of strong benign evidence was enough to reclassify the VUS as Likely Benign. This variant GRCh37:17:41197751:G>T was assigned evidence codes ['BS3', 'BP1_Strong'] and an overall classification of Benign

Ambry Genetics
Classification: Uncertain significance for Hereditary cancer-predisposing syndrome. Last evaluated: 2019-11-13. Review status: criteria provided, single submitter. Criteria: Ambry Variant Classification Scheme 2023. Collection method: clinical testing. Allele origin: germline.
Comment: The p.Q1846K variant (also known as c.5536C>A), located in coding exon 22 of the BRCA1 gene, results from a C to A substitution at nucleotide position 5536. The glutamine at codon 1846 is replaced by lysine, an amino acid with similar properties. This amino acid position is well conserved in available vertebrate species. In addition, the in silico prediction for this alteration is inconclusive. Since supporting evidence is limited at this time, the clinical significance of this alteration remains unclear.

Brotman Baty Institute, University of Washington
No classification provided (evidence only). Condition: Breast-ovarian cancer, familial 1. Review status: no classification provided. Collection method: in vitro. Allele origin: not applicable. Functional consequence: functionally_normal. Not counted in ClinVar's aggregate classification.
ClinVar note: "not provided" was previously submitted as the classification for the variant. However, the classification appeared to be based only on an observation of functional data so it was converted to no classification on 2025-07-30.

Literature cited by the submitters: PubMed 39142283 (cited by Lupski Lab, Baylor-Hopkins CMG, Baylor College of Medicine); PubMed 34793697 (cited by Lupski Lab, Baylor-Hopkins CMG, Baylor College of Medicine); DOI 10.1101/2024.04.11.24305690 (cited by Lupski Lab, Baylor-Hopkins CMG, Baylor College of Medicine).